The following is an entry in ClinVar:

NM_001042492.3(NF1):c.7510C>T (p.Leu2504Phe)

Gene: NF1 (neurofibromin 1; plus strand). Cytogenetic location: 17q11.2.
Variant type: single nucleotide variant.
Coding change: c.7510C>T on transcript NM_001042492.3 (MANE Select); coding-DNA position 7510, C replaced by T.
Protein change: p.Leu2504Phe; replaces leucine 2504 with phenylalanine.
Molecular consequence: missense variant.
Genome position (GRCh38, 1-based): chr17:31,352,309, C>T. VCF-style: chr17-31352309-C-T. GRCh37 (hg19) VCF-style: chr17-29679327-C-T.
Other names: c.7447C>T, p.Leu2483Phe (NM_000267.4); short protein forms L2504F, L2483F.
Identifiers: ClinVar variation 485976 (VCV000485976.11), dbSNP rs876658333, ClinGen allele CA399017541.
Genomic context (GRCh38, chr17:31,352,309, plus strand): 5'-TCTTTCAGGACACTAAAGGAGACTCAGCCATGGTCCTCTCCCAAAGGTTCTGAAGGATAC[C>T]TTGCAGCCACCTATCCAACTGTCGGCCAGACCAGTCCCCGAGCCAGGAAATCCATGAGCC-3'
Protein context (NP_001035957.1, residues 2494-2514): WSSPKGSEGY[Leu2504Phe]AATYPTVGQT

ClinVar aggregate classification (germline): Uncertain significance. Review status: criteria provided, multiple submitters, no conflicts (2 of 4 stars). 3 submissions from 3 submitters: Uncertain significance (3). Last evaluated 2022-03-15.

Conditions:
Cardiovascular phenotype. Identifiers: MedGen CN230736.
Hereditary cancer-predisposing syndrome. Also called: Tumor predisposition; Neoplastic Syndromes, Hereditary; Hereditary Cancer Syndrome; Hereditary neoplastic syndrome. Identifiers: Orphanet 140162, MedGen C0027672, MeSH D009386, MONDO:0015356.
Neurofibromatosis, type 1 (NF1). Also called: NEUROFIBROMATOSIS, TYPE I, SOMATIC; VON RECKLINGHAUSEN DISEASE; Neurofibromatosis, type I; Peripheral type neurofibromatosis. Identifiers: Orphanet 636, MedGen C0027831, MONDO:0018975, OMIM 162200. Disease mechanism: loss of function.

Submissions (3):

Genome-Nilou Lab
Classification: Uncertain significance for Neurofibromatosis, type 1. Last evaluated: 2022-03-15. Review status: criteria provided, single submitter. Criteria: ACMG Guidelines, 2015. Collection method: clinical testing. Allele origin: germline. Affected: no.

Labcorp Genetics (formerly Invitae), Labcorp
Classification: Uncertain significance for Neurofibromatosis, type 1. Last evaluated: 2020-09-08. Review status: criteria provided, single submitter. Criteria: Invitae Variant Classification Sherloc (09022015). Collection method: clinical testing. Allele origin: germline.
Comment: In summary, the available evidence is currently insufficient to determine the role of this variant in disease. Therefore, it has been classified as a Variant of Uncertain Significance. Algorithms developed to predict the effect of missense changes on protein structure and function are either unavailable or do not agree on the potential impact of this missense change (SIFT: "Deleterious"; PolyPhen-2: "Probably Damaging"; Align-GVGD: "Class C0"). This variant has not been reported in the literature in individuals with NF1-related conditions. ClinVar contains an entry for this variant (Variation ID: 485976). This variant is not present in population databases (ExAC no frequency). This sequence change replaces leucine with phenylalanine at codon 2483 of the NF1 protein (p.Leu2483Phe). The leucine residue is highly conserved and there is a small physicochemical difference between leucine and phenylalanine.

Ambry Genetics
Classification: Uncertain significance for Cardiovascular phenotype; Hereditary cancer-predisposing syndrome. Last evaluated: 2017-08-24. Review status: criteria provided, single submitter. Criteria: Ambry Variant Classification Scheme 2023. Collection method: clinical testing. Allele origin: germline.
Comment: The p.L2483F variant (also known as c.7447C>T), located in coding exon 50 of the NF1 gene, results from a C to T substitution at nucleotide position 7447. The leucine at codon 2483 is replaced by phenylalanine, an amino acid with highly similar properties. This amino acid position is highly conserved in available vertebrate species. In addition, this alteration is predicted to be tolerated by in silico analysis. Since supporting evidence is limited at this time, the clinical significance of this alteration remains unclear.